The following is an entry in ClinVar:

ClinVar aggregate classification (germline): Uncertain significance (1 of 4 stars; one submission).

Submission:

Labcorp Genetics (formerly Invitae), Labcorp
Classification: Uncertain significance. Last evaluated: 2024-02-20. Review status: criteria provided, single submitter. Criteria: Invitae Variant Classification Sherloc (09022015). Collection method: clinical testing. Allele origin: germline.
Comment: This sequence change replaces asparagine, which is neutral and polar, with aspartic acid, which is acidic and polar, at codon 1469 of the CAMTA1 protein (p.Asn1469Asp). This variant is not present in population databases (gnomAD no frequency). This variant has not been reported in the literature in individuals affected with CAMTA1-related conditions. An algorithm developed to predict the effect of missense changes on protein structure and function (PolyPhen-2) suggests that this variant is likely to be tolerated. In summary, the available evidence is currently insufficient to determine the role of this variant in disease. Therefore, it has been classified as a Variant of Uncertain Significance.

NM_015215.4(CAMTA1):c.4405A>G (p.Asn1469Asp)

Gene: CAMTA1 (calmodulin binding transcription activator 1; plus strand). Cytogenetic location: 1p36.23.
Variant type: single nucleotide variant.
Coding change: c.4405A>G on transcript NM_015215.4 (MANE Select); coding-DNA position 4405, A replaced by G.
Protein change: p.Asn1469Asp; replaces asparagine 1469 with aspartic acid.
Molecular consequence: missense variant.
Genome position (GRCh38, 1-based): chr1:7,745,879, A>G. VCF-style: chr1-7745879-A-G. GRCh37 (hg19) VCF-style: chr1-7805939-A-G.
Other names: c.1138A>G, p.Asn380Asp (NM_001349620.1, NM_001349621.1, NM_001349622.2 and 5 more transcripts); c.4066A>G, p.Asn1356Asp (NM_001410737.1, NM_001349609.2, NM_001349610.2); c.3994A>G, p.Asn1332Asp (NM_001410738.1); c.4315A>G, p.Asn1439Asp (NM_001349608.2); c.3976A>G, p.Asn1326Asp (NM_001349612.2); c.1534A>G, p.Asn512Asp (NM_001349613.1); c.1477A>G, p.Asn493Asp (NM_001349614.1, NM_001349615.2, NM_001349616.2 and 2 more transcripts); short protein forms N1439D, N380D, N1469D, N512D, N1326D, N1332D, N1356D, N493D.
Identifiers: ClinVar variation 3640646 (VCV003640646.2).